The following is an entry in ClinVar:

NM_003482.4(KMT2D):c.10440+5G>C

Gene: KMT2D (lysine methyltransferase 2D; minus strand). Cytogenetic location: 12q13.12.
Variant type: single nucleotide variant.
Coding change: c.10440+5G>C on transcript NM_003482.4 (MANE Select); 5 bases into the intron after coding-DNA position 10440, G replaced by C.
Molecular consequence: intron variant.
Genome position (GRCh38, 1-based): chr12:49,034,577, C>G on the plus strand (G>C on the coding strand, the complement: KMT2D is on the minus strand). VCF-style: chr12-49034577-C-G. GRCh37 (hg19) VCF-style: chr12-49428360-C-G.
Identifiers: ClinVar variation 450563 (VCV000450563.2), dbSNP rs1555189416, ClinGen allele CA658656289.

ClinVar aggregate classification (germline): Uncertain significance (1 of 4 stars; one submission).

Submission:

GeneDx
Classification: Uncertain significance. Last evaluated: 2017-07-20. Review status: criteria provided, single submitter. Criteria: GeneDx Variant Classification (06012015). Collection method: clinical testing. Allele origin: germline. Affected: yes.
Comment: The c.10440+5G>C variant in the KMT2D gene has not been reported previously as a pathogenic variant nor as a benign variant, to our knowledge. This variant may reduce the quality of the splice donor site in intron 36, resulting in abnormal gene splicing. However, in the absence of RNA/functional studies, the actual effect of c.10440+5G>C in this individual is unknown. The c.10440+5G>C variant is not observed in large population cohorts (Lek et al., 2016; 1000 Genomes Consortium et al., 2015; Exome Variant Server). We interpret c.10440+5G>C as a variant of uncertain significance.